The following is an entry in ClinVar:

ClinVar aggregate classification (germline): Uncertain significance. Review status: criteria provided, single submitter (1 of 4 stars). 2 submissions from 2 submitters: Uncertain significance (1). 1 of the submissions does not count toward it. Last evaluated 2024-07-01.

Conditions:
NLRP1-related disorder. Also called: NLRP1-related condition.

Allele frequency attached by ClinVar (database versions not stated): ExAC 0.00002; gnomAD exomes 0.00002 and 0.00008.
gnomAD v4.1: 46 of 1,611,928 alleles (0.0029%); highest among the groups gnomAD compares: Admixed American, 0.052%; no homozygotes.

Submissions (2):

Labcorp Genetics (formerly Invitae), Labcorp
Classification: Uncertain significance. Last evaluated: 2024-07-01. Review status: criteria provided, single submitter. Criteria: Invitae Variant Classification Sherloc (09022015). Collection method: clinical testing. Allele origin: germline.
Comment: This sequence change replaces tyrosine, which is neutral and polar, with aspartic acid, which is acidic and polar, at codon 215 of the NLRP1 protein (p.Tyr215Asp). This variant is present in population databases (rs769899247, gnomAD 0.04%). This variant has not been reported in the literature in individuals affected with NLRP1-related conditions. ClinVar contains an entry for this variant (Variation ID: 1418584). An algorithm developed to predict the effect of missense changes on protein structure and function (PolyPhen-2) suggests that this variant is likely to be tolerated. In summary, the available evidence is currently insufficient to determine the role of this variant in disease. Therefore, it has been classified as a Variant of Uncertain Significance.

PreventionGenetics, part of Exact Sciences
Classification: Uncertain significance for NLRP1-related condition. Last evaluated: 2024-08-21. Review status: no assertion criteria provided. Collection method: clinical testing. Allele origin: germline. Not counted in ClinVar's aggregate classification.
Comment: The NLRP1 c.643T>G variant is predicted to result in the amino acid substitution p.Tyr215Asp. To our knowledge, this variant has not been reported in the literature. This variant is reported in 0.040% of alleles in individuals of Latino descent in gnomAD, which may be too common to be causative. Although we suspect that this variant may be benign, at this time, the clinical significance of this variant is uncertain due to the absence of conclusive functional and genetic evidence.

NM_033004.4(NLRP1):c.643T>G (p.Tyr215Asp)

Gene: NLRP1 (NLR family pyrin domain containing 1; minus strand). Cytogenetic location: 17p13.2.
Variant type: single nucleotide variant.
Coding change: c.643T>G on transcript NM_033004.4 (MANE Select); coding-DNA position 643, T replaced by G.
Protein change: p.Tyr215Asp; replaces tyrosine 215 with aspartic acid.
Molecular consequence: missense variant.
Genome position (GRCh38, 1-based): chr17:5,581,868, A>C on the plus strand (T>G on the coding strand, the complement: NLRP1 is on the minus strand). VCF-style: chr17-5581868-A-C. GRCh37 (hg19) VCF-style: chr17-5485188-A-C.
Other names: c.643T>G, p.Tyr215Asp (NM_001033053.3, NM_014922.5, NM_033006.4 and 1 more transcripts); c.643T>G (NM_033004.3); short protein forms Y215D.
Identifiers: ClinVar variation 1418584 (VCV001418584.8), dbSNP rs769899247, ClinGen allele CA8327537.